The following is an entry in ClinVar:

NM_001048174.2(MUTYH):c.1087C>A (p.Gln363Lys)

Gene: MUTYH (mutY DNA glycosylase; minus strand). Cytogenetic location: 1p34.1.
Variant type: single nucleotide variant.
Coding change: c.1087C>A on transcript NM_001048174.2 (MANE Select); coding-DNA position 1087, C replaced by A.
Protein change: p.Gln363Lys; replaces glutamine 363 with lysine.
Molecular consequence: missense variant. On other transcripts: non-coding transcript variant (7).
Genome position (GRCh38, 1-based): chr1:45,331,676, G>T on the plus strand (C>A on the coding strand, the complement: MUTYH is on the minus strand). VCF-style: chr1-45331676-G-T. GRCh37 (hg19) VCF-style: chr1-45797348-G-T.
Other names: c.1132C>A, p.Gln378Lys (NM_001293190.2); c.1120C>A, p.Gln374Lys (NM_001293191.2, NM_001407069.1, NM_001407077.1); c.811C>A, p.Gln271Lys (NM_001293192.2, NM_001293196.2, NM_001407091.1); c.1087C>A, p.Gln363Lys (NM_001293195.2, NM_001407070.1, NM_001407088.1 and 6 more transcripts); c.742C>A, p.Gln248Lys (NM_001350650.2, NM_001350651.2, NM_001407082.1); c.1129C>A, p.Gln377Lys (NM_001407083.1, NM_001407085.1); c.1090C>A, p.Gln364Lys (NM_001407086.1, NM_001048172.2, NM_001407071.1 and 1 more transcripts); c.1108C>A, p.Gln370Lys (NM_001407087.1); and 5 more; short protein forms Q378K, Q388K, Q248K, Q349K, Q364K, Q377K, Q271K, Q335K.
Identifiers: ClinVar variation 4113073 (VCV004113073.1).
Genomic context (GRCh38, chr1:45,331,676, plus strand): 5'-TCTTGTTACTCATGCCACTGCCCTCCACGCCCAGTATCCAGGTACCTGAGTTGGGCCTCT[G>T]CACCAGCAGAATTTGGGCCCCAAGGGCCCCAGGCTGTTCCAGAACACAGGTGGCAGAGCT-3'
Protein context (NP_001041639.1, residues 353-373): GALGAQILLV[Gln363Lys]RPNSGLLAGL

ClinVar aggregate classification (germline): Uncertain significance (1 of 4 stars; one submission).

Conditions:
Hereditary cancer-predisposing syndrome. Also called: Tumor predisposition; Neoplastic Syndromes, Hereditary; Hereditary neoplastic syndrome; Hereditary Cancer Syndrome. Identifiers: Orphanet 140162, MedGen C0027672, MeSH D009386, MONDO:0015356.

Submission:

Ambry Genetics
Classification: Uncertain significance for Hereditary cancer-predisposing syndrome. Last evaluated: 2025-08-27. Review status: criteria provided, single submitter. Criteria: Ambry Variant Classification Scheme 2023. Collection method: clinical testing. Allele origin: germline.
Comment: The p.Q391K variant (also known as c.1171C>A), located in coding exon 12 of the MUTYH gene, results from a C to A substitution at nucleotide position 1171. The glutamine at codon 391 is replaced by lysine, an amino acid with similar properties. This amino acid position is conserved. In addition, the in silico prediction for this alteration is inconclusive. Based on the available evidence, the clinical significance of this variant remains unclear.